The following continues an entry in ClinVar:

NM_002834.5(PTPN11):c.923A>G (p.Asn308Ser)

Gene: PTPN11. ClinVar aggregate classification (germline): Pathogenic. Pathogenic (35). ClinVar aggregate classification (oncogenicity): Likely oncogenic.

Submissions 36 to 47 of 47:

Juno Genomics, Hangzhou Juno Genomics, Inc
Classification: Pathogenic for LEOPARD syndrome 1; Juvenile myelomonocytic leukemia; Metachondromatosis; Noonan syndrome 1. Review status: criteria provided, single submitter. Criteria: ACMG Guidelines, 2015. Collection method: clinical testing. Allele origin: germline. Affected: yes.
Comment: Absent from controls (or at extremely low frequency if recessive) in Genome Aggregation Database, Exome Sequencing Project, 1000 Genomes Project, or Exome Aggregation Consortium.;Multiple lines of computational evidence support a deleterious effect on the gene or gene product (conservation, evolutionary, splicing impact, etc).;Missense variant in a gene that has a low rate of benign missense variation and where missense variants are a common mechanism of disease.;Novel missense change at an amino acid residue where a different missense change determined to be pathogenic has been seen before.;The prevalence of the variant in affected individuals is significantly increased compared to the prevalence in controls.;Assumed de novo, but without confirmation of paternity and maternity.

Department of Rehabilitation, Anhui Provincial Children's Hospital
Classification: Pathogenic for LEOPARD syndrome 1. Last evaluated: 2024-03-05. Review status: no assertion criteria provided. Collection method: clinical testing. Allele origin: unknown. Affected: yes. Not counted in ClinVar's aggregate classification.
Comment: This variant is located within the functional domain of tyrosine-specific protein phosphatase and the PTPase domain. Missense variants in this gene are a common pathogenic mechanism for the associated disease phenotype, with a low frequency of benign missense variants.

Department of Traditional Chinese Medicine, Fujian Provincial Hospital
Classification: Pathogenic for Noonan syndrome. Last evaluated: 2022-12-24. Review status: no assertion criteria provided. Collection method: research. Allele origin: de novo. Inheritance: Autosomal dominant inheritance. Affected: no. Observed: 1 heterozygote. Not counted in ClinVar's aggregate classification.
Comment: Mutations in this gene can cause Noonan syndrome (NS), a class of autosomal dominant disorders, which can be clinically characterized by a peculiar facial appearance (e.g., wide eye spacing, ptosis, medial canthus, low ear position, and high palpebral arches), mild mental retardation, short necks, short stature, abnormalities of the cardiovascular system, disorders of the genitourinary system, and abnormalities of the hematologic system. The disease is caused by functionally acquired mutations in PTPN11 in about half of the cases.

Pediatric Genetics Clinic, Sheba Medical Center
Classification: Pathogenic for Noonan syndrome 1. Last evaluated: 2021-05-13. Review status: no assertion criteria provided. Collection method: clinical testing. Allele origin: de novo. Affected: yes. Observed: 1 heterozygote. Not counted in ClinVar's aggregate classification.

Clinical Molecular Genetics Laboratory, Johns Hopkins All Children's Hospital
Classification: Pathogenic for Noonan syndrome. Last evaluated: 2017-03-08. Review status: no assertion criteria provided. Collection method: clinical testing. Allele origin: germline. Affected: yes. Not counted in ClinVar's aggregate classification.

Greenwood Genetic Center Diagnostic Laboratories, Greenwood Genetic Center
Classification: Pathogenic. Last evaluated: 2015-01-15. Review status: no assertion criteria provided. Collection method: clinical testing. Allele origin: germline. Not counted in ClinVar's aggregate classification.

OMIM
Classification: Pathogenic for NOONAN SYNDROME 1. Last evaluated: 2007-06-01. Review status: no assertion criteria provided. Collection method: literature only. Allele origin: germline. Not counted in ClinVar's aggregate classification.

Baylor Genetics
Classification: Pathogenic for Rasopathy. Review status: no assertion criteria provided. Collection method: clinical testing. Allele origin: unknown. Affected: yes. Not counted in ClinVar's aggregate classification.
Comment: Variant classified using ACMG guidelines

Diagnostic Laboratory, Department of Genetics, University Medical Center Groningen
Classification: Pathogenic. Review status: no assertion criteria provided. Collection method: clinical testing. Allele origin: germline. Affected: yes. Study: VKGL Data-share Consensus. Not counted in ClinVar's aggregate classification.

Division of Human Genetics, National Health Laboratory Service/University of the Witwatersrand
Classification: Pathogenic for Noonan syndrome 1. Review status: no assertion criteria provided. Collection method: research. Allele origin: unknown. Affected: yes. Observed: 1 variant allele. Not counted in ClinVar's aggregate classification.

Institute of Molecular Pathology and Immunology of the University of Porto (IPATIMUP)
No classification provided. Condition: Noonan syndrome 1. Review status: no classification provided. Collection method: not provided. Allele origin: germline. Not counted in ClinVar's aggregate classification.

Joint Genome Diagnostic Labs from Nijmegen and Maastricht, Radboudumc and MUMC+
Classification: Pathogenic. Review status: no assertion criteria provided. Collection method: clinical testing. Allele origin: germline. Affected: yes. Study: VKGL Data-share Consensus. Not counted in ClinVar's aggregate classification.

Literature cited by the submitters: PubMed 11992261 (cited by 13 submitters); PubMed 19077116 (cited by 9 submitters); PubMed 20718194 (cited by 6 submitters); PubMed 22781091 (cited by 5 submitters); PubMed 24451042 (cited by 3 submitters); PubMed 25595571 (cited by 3 submitters); PubMed 12960218 (cited by 5 submitters); PubMed 11704759 (cited by 3billion); PubMed 15723289 (cited by Ambry Genetics); PubMed 16124853 (cited by 3 submitters); PubMed 16358218 (cited by 4 submitters); PubMed 23726368 (cited by Ambry Genetics); PubMed 24628801 (cited by Ambry Genetics); PubMed 34850017 (cited by Ambry Genetics); PubMed 38540404 (cited by Ambry Genetics); PubMed 39596579 (cited by Ambry Genetics); PubMed 21340158 (cited by Variantyx, Inc. and Athena Diagnostics); PubMed 15761018 (cited by 3 submitters); PubMed 34988410 (cited by Center for Genomic Medicine, Rigshospitalet, Copenhagen University Hospital and Institute for Genomic Medicine (IGM) Clinical Laboratory, Nationwide Children's Hospital); PubMed 17020470 (cited by 3 submitters); PubMed 19020799 (cited by 3 submitters); PubMed 26817465 (cited by Institute for Genomic Medicine (IGM) Clinical Laboratory, Nationwide Children's Hospital and Victorian Clinical Genetics Services, Murdoch Childrens Research Institute); PubMed 21533187 (cited by Victorian Clinical Genetics Services, Murdoch Childrens Research Institute); PubMed 24935154 (cited by Victorian Clinical Genetics Services, Murdoch Childrens Research Institute); PubMed 15987685 (cited by 3 submitters); PubMed 15985475 (cited by Women's Health and Genetics/Laboratory Corporation of America, LabCorp and Athena Diagnostics); PubMed 15248152 (cited by Women's Health and Genetics/Laboratory Corporation of America, LabCorp); PubMed 12717436 (cited by Women's Health and Genetics/Laboratory Corporation of America, LabCorp); PubMed 17661820 (cited by Women's Health and Genetics/Laboratory Corporation of America, LabCorp); PubMed 18854871 (cited by Women's Health and Genetics/Laboratory Corporation of America, LabCorp); PubMed 16377799 (cited by Women's Health and Genetics/Laboratory Corporation of America, LabCorp); PubMed 15996221 (cited by Women's Health and Genetics/Laboratory Corporation of America, LabCorp); PubMed 18678287 (cited by Women's Health and Genetics/Laboratory Corporation of America, LabCorp); PubMed 16804314 (cited by Athena Diagnostics); PubMed 22465605 (cited by Athena Diagnostics); PubMed 15001945 (cited by Athena Diagnostics); PubMed 27626068 (cited by Donald Williams Parsons Laboratory, Baylor College of Medicine); DOI 10.1542/peds.2009-3207 (cited by Department of Traditional Chinese Medicine, Fujian Provincial Hospital); PubMed 17497712 (cited by OMIM).